The following is an entry in ClinVar:

ClinVar aggregate classification (germline): Uncertain significance (1 of 4 stars; one submission).

Allele frequency attached by ClinVar (database versions not stated): gnomAD exomes below 0.00001; gnomAD 0.00001.
gnomAD v4.1: 2 of 1,614,058 alleles (0.00012%); highest among the groups gnomAD compares: Admixed American, 0.0017%; no homozygotes.

Submission:

Labcorp Genetics (formerly Invitae), Labcorp
Classification: Uncertain significance. Last evaluated: 2022-11-07. Review status: criteria provided, single submitter. Criteria: Invitae Variant Classification Sherloc (09022015). Collection method: clinical testing. Allele origin: germline.
Comment: In summary, the available evidence is currently insufficient to determine the role of this variant in disease. Therefore, it has been classified as a Variant of Uncertain Significance. Advanced modeling of protein sequence and biophysical properties (such as structural, functional, and spatial information, amino acid conservation, physicochemical variation, residue mobility, and thermodynamic stability) performed at Invitae indicates that this missense variant is not expected to disrupt KMT2E protein function. This variant has not been reported in the literature in individuals affected with KMT2E-related conditions. This variant is not present in population databases (gnomAD no frequency). This sequence change replaces valine, which is neutral and non-polar, with methionine, which is neutral and non-polar, at codon 1209 of the KMT2E protein (p.Val1209Met).

NM_182931.3(KMT2E):c.3625G>A (p.Val1209Met)

Gene: KMT2E (lysine methyltransferase 2E (inactive); plus strand). Cytogenetic location: 7q22.3.
Variant type: single nucleotide variant.
Coding change: c.3625G>A on transcript NM_182931.3 (MANE Select); coding-DNA position 3625, G replaced by A.
Protein change: p.Val1209Met; replaces valine 1209 with methionine.
Molecular consequence: missense variant.
Genome position (GRCh38, 1-based): chr7:105,109,098, G>A. VCF-style: chr7-105109098-G-A. GRCh37 (hg19) VCF-style: chr7-104749545-G-A.
Other names: c.3625G>A, p.Val1209Met (NM_001410908.1, NM_018682.4); short protein forms V1209M.
Identifiers: ClinVar variation 2812526 (VCV002812526.3), dbSNP rs1799052414, ClinGen allele CA368790274.
Genomic context (GRCh38, chr7:105,109,098, plus strand): 5'-AGTGGAAGCTTGAGCAACAATGGTGATGGCTGTGCCAGCAGTAATGACAATGGGGAGCAG[G>A]TGGACCACACTGCTAGCCTACCTTTACCAACACCAGCTACAGTTTATAATGCCACTTCTG-3'
Protein context (NP_891847.1, residues 1199-1219): CASSNDNGEQ[Val1209Met]DHTASLPLPT